The following is an entry in ClinVar:

ClinVar aggregate classification (germline): Pathogenic. Review status: reviewed by expert panel (3 of 4 stars). 23 submissions from 22 submitters: Pathogenic (1). 22 of the submissions do not count toward it. Last evaluated 2016-04-22.

Conditions:
BRCA1-related disorder. Also called: BRCA1-related condition.
Inherited breast cancer and ovarian cancer.
Inherited ovarian cancer (without breast cancer).
Hereditary cancer-predisposing syndrome. Also called: Tumor predisposition; Neoplastic Syndromes, Hereditary; Hereditary Cancer Syndrome; Hereditary neoplastic syndrome. Identifiers: Orphanet 140162, MedGen C0027672, MeSH D009386, MONDO:0015356.
Hereditary breast ovarian cancer syndrome. Also called: Hereditary breast and ovarian cancer syndrome (HBOC); Hereditary breast and ovarian cancer syndrome; Hereditary breast and ovarian cancer; Hereditary breast and/or ovarian cancer syndrome; Breast and ovarian cancer; BRCA1- and BRCA2-Associated Hereditary Breast and Ovarian Cancer. Identifiers: Orphanet 145, MedGen C0677776, MeSH D061325, MONDO:0003582. Disease mechanism: loss of function.
Breast-ovarian cancer, familial, susceptibility to, 1 (BROVCA1). Also called: OVARIAN CANCER, SUSCEPTIBILITY TO; BRCA1 Hereditary Breast and Ovarian Cancer. Identifiers: Orphanet 145, MedGen C2676676, MONDO:0011450, OMIM 604370. Disease mechanism: loss of function.

Allele frequency attached by ClinVar (database versions not stated): gnomAD exomes below 0.00001 and 0.00001.

Submissions 1 to 12 of 23:

Evidence-based Network for the Interpretation of Germline Mutant Alleles (ENIGMA)
Classification: Pathogenic for Breast-ovarian cancer, familial, susceptibility to, 1. Last evaluated: 2016-04-22. Review status: reviewed by expert panel. Criteria: ENIGMA BRCA1/2 Classification Criteria (2015). Collection method: curation. Allele origin: germline.
Comment: Variant allele predicted to encode a truncated non-functional protein.

Genetics Laboratory, Great Ormond Street Hospital NHS Foundation Trust, North Thames Genomic Laboratory Hub
Classification: Pathogenic for Inherited ovarian cancer (without breast cancer). Last evaluated: 2026-07-01. Review status: criteria provided, single submitter. Criteria: CanVIG BRCA Gene Specific V1.22. Collection method: clinical testing. Allele origin: germline. Affected: yes. Not counted in ClinVar's aggregate classification.
Comment: PS4_very-strong, PVS1_very-strong, PM5_strong

Genetics Laboratory, Great Ormond Street Hospital NHS Foundation Trust, North Thames Genomic Laboratory Hub
Classification: Pathogenic for Inherited breast cancer and ovarian cancer. Last evaluated: 2026-07-01. Review status: criteria provided, single submitter. Criteria: CanVIG BRCA Gene Specific V1.22. Collection method: clinical testing. Allele origin: germline. Affected: yes. Not counted in ClinVar's aggregate classification.
Comment: the same text as in the submission from Genetics Laboratory, Great Ormond Street Hospital NHS Foundation Trust, North Thames Genomic Laboratory Hub above.

Center for Genomic Medicine, Rigshospitalet, Copenhagen University Hospital
Classification: Pathogenic. Last evaluated: 2025-12-29. Review status: criteria provided, single submitter. Criteria: ACMG Guidelines, 2015. Collection method: clinical testing. Allele origin: germline. Not counted in ClinVar's aggregate classification.

Labcorp Genetics (formerly Invitae), Labcorp
Classification: Pathogenic for Hereditary breast ovarian cancer syndrome. Last evaluated: 2025-11-20. Review status: criteria provided, single submitter. Criteria: Invitae Variant Classification Sherloc (09022015). Collection method: clinical testing. Allele origin: germline. Not counted in ClinVar's aggregate classification.
Comment: This sequence change creates a premature translational stop signal (p.Glu1134*) in the BRCA1 gene. It is expected to result in an absent or disrupted protein product. Loss-of-function variants in BRCA1 are known to be pathogenic (PMID: 20104584). This variant is not present in population databases (gnomAD no frequency). This premature translational stop signal has been observed in individual(s) with breast cancer and ovarian cancer (PMID: 10644434, 11389159, 16284991, 25452441, 26833046, 27376475, 27836010). This variant is also known as 3519G>T. ClinVar contains an entry for this variant (Variation ID: 37529). For these reasons, this variant has been classified as Pathogenic.

Quest Diagnostics Nichols Institute San Juan Capistrano
Classification: Pathogenic. Last evaluated: 2025-08-20. Review status: criteria provided, single submitter. Criteria: Quest Diagnostics criteria. Collection method: clinical testing. Allele origin: unknown. Not counted in ClinVar's aggregate classification.
Comment: The BRCA1 c.3400G>T (p.Glu1134*) variant causes the premature termination of BRCA1 protein synthesis. This variant has been reported in the published literature in individuals with breast and/or ovarian cancer (PMID: 11389159 (2001), 17688236 (2007), 21233401 (2011), 25452441 (2015), 27376475 (2016), 29752822 (2018), 29339979 (2018), 31447099 (2019), 31825140 (2019), 33471991 (2021), see also LOVD, 36329109 (2022), 36999648 (2023)). The frequency of this variant in the general population (Genome Aggregation Database) is consistent with pathogenicity. Based on the available information, this variant is classified as pathogenic.

PreventionGenetics, part of Exact Sciences
Classification: Pathogenic for BRCA1-related condition. Last evaluated: 2025-08-04. Review status: criteria provided, single submitter. Criteria: ACMG Guidelines, 2015. Collection method: clinical testing. Allele origin: germline. Not counted in ClinVar's aggregate classification.
Comment: The BRCA1 c.3400G>T variant is predicted to result in premature protein termination (p.Glu1134*). This variant is also referred to as c.3519G>T using legacy nomenclature. This variant has been reported in multiple individuals with breast and ovarian cancer (Bergthorsson et al. 2001. PubMed ID: 11389159; Supplementary Table 1, Bennett et al. 2021. PubMed ID: 33654310; Pal et al. 2005. PubMed ID: 16284991; Supplementary Table 2, Couch et al. 2015. PubMed ID: 25452441). This variant is reported in 0.00088% of alleles in individuals of European (Non-Finnish) descent in gnomAD. This variant has been reported in ClinVar as pathogenic (Variation ID: 37529). Nonsense variants in BRCA1 are expected to be pathogenic. This variant is interpreted as pathogenic.

NHS Central & South Genomic Laboratory Hub
Classification: Pathogenic for Inherited breast cancer and ovarian cancer. Last evaluated: 2025-04-09. Review status: criteria provided, single submitter. Criteria: ACMG Guidelines, 2015. Collection method: clinical testing. Allele origin: germline. Affected: yes. Not counted in ClinVar's aggregate classification.

Ambry Genetics
Classification: Pathogenic for Hereditary cancer-predisposing syndrome. Last evaluated: 2025-02-26. Review status: criteria provided, single submitter. Criteria: Ambry Variant Classification Scheme 2023. Collection method: clinical testing. Allele origin: germline. Not counted in ClinVar's aggregate classification.
Comment: The p.E1134* pathogenic mutation (also known as c.3400G>T), located in coding exon 9 of the BRCA1 gene, results from a G to T substitution at nucleotide position 3400. This changes the amino acid from a glutamic acid to a stop codon within coding exon 9. This alteration has been reported in multiple individuals/families with hereditary breast and/or ovarian cancer (HBOC) (Wagner T et al. Genomics, 1999 Dec;62:369-76; Thomassen M et al. Acta Oncol, 2008;47:772-7; Rebbeck TR et al. Breast Cancer Res, 2016 Nov;18:112; Heramb C et al. Hered Cancer Clin Pract, 2018 Jan;16:3; Wei H et al. Oncol Lett, 2018 Jun;15:9420-9428; Incorvaia L et al. Cancers (Basel), 2020 May;12). Of note, this alteration is also designated as 3519G>T in published literature. In addition to the clinical data presented in the literature, this alteration is expected to result in loss of function by premature protein truncation or nonsense-mediated mRNA decay. As such, this alteration is interpreted as a disease-causing mutation.

Department of Clinical Genetics, Copenhagen University Hospital, Rigshospitalet
Classification: Pathogenic for Breast-ovarian cancer, familial, susceptibility to, 1. Last evaluated: 2024-05-27. Review status: criteria provided, single submitter. Criteria: ACMG Guidelines, 2015. Collection method: clinical testing. Allele origin: germline. Affected: yes. Not counted in ClinVar's aggregate classification.
Comment: PVS1; PM5_PTC_Strong

Baylor Genetics
Classification: Pathogenic for Breast-ovarian cancer, familial, susceptibility to, 1. Last evaluated: 2024-01-14. Review status: criteria provided, single submitter. Criteria: ACMG Guidelines, 2015. Collection method: clinical testing. Allele origin: unknown. Not counted in ClinVar's aggregate classification.

Revvity Omics, Revvity
Classification: Pathogenic. Last evaluated: 2022-09-08. Review status: criteria provided, single submitter. Criteria: ACMG Guidelines, 2015. Collection method: clinical testing. Allele origin: germline. Not counted in ClinVar's aggregate classification.

NM_007294.4(BRCA1):c.3400G>T (p.Glu1134Ter)

Genes: BRCA1 (BRCA1 DNA repair associated; minus strand), LOC126862571 (BRD4-independent group 4 enhancer GRCh37_chr17:41243136-41244335; plus strand). Cytogenetic location: 17q21.31.
Variant type: single nucleotide variant.
Coding change: c.3400G>T on transcript NM_007294.4 (MANE Select); coding-DNA position 3400, G replaced by T.
Protein change: p.Glu1134Ter; replaces glutamic acid 1134 with a stop codon.
Molecular consequence: nonsense. On other transcripts: intron variant (135).
Genome position (GRCh38, 1-based): chr17:43,092,131, C>A on the plus strand (G>T on the coding strand, the complement: BRCA1 is on the minus strand). VCF-style: chr17-43092131-C-A. GRCh37 (hg19) VCF-style: chr17-41244148-C-A.
Other names: p.E1134*:GAA>TAA; NP_009225.1:p.Glu1134Ter; 3519G>T; c.3397G>T, p.Glu1133Ter (NM_001407631.1, NM_001407632.1, NM_001407633.1 and 22 more transcripts); c.3400G>T, p.Glu1134Ter (NM_001407639.1, NM_001407640.1, NM_001407641.1 and 30 more transcripts); c.3391G>T, p.Glu1131Ter (NM_001407646.1, NM_001407647.1); c.3277G>T, p.Glu1093Ter (NM_001407648.1, NM_001407664.1, NM_001407665.1 and 19 more transcripts); c.3274G>T, p.Glu1092Ter (NM_001407649.1, NM_001407670.1, NM_001407671.1 and 11 more transcripts); and 44 more; short protein forms E1134*, E1087*, E1022*, E1063*, E1086*, E1092*, E1093*, E1007*.
Identifiers: ClinVar variation 37529 (VCV000037529.89), dbSNP rs80357018, ClinGen allele CA002199.
Genomic context (GRCh38, chr17:43,092,131, plus strand): 5'-ACAGGTCATCAGGTGTCTCAGAACAAACCTGAGATGCATGACTACTTCCCATAGGCTGTT[C>A]TAAGTTATCTGAAATCAGATATGGAGAGAAATCTGTATTAACAGTCTGAACTACTTCTTC-3'